The following is an entry in ClinVar:

NM_201384.3(PLEC):c.4364G>A (p.Arg1455His)

Gene: PLEC (plectin; minus strand). Cytogenetic location: 8q24.3.
Variant type: single nucleotide variant.
Coding change: c.4364G>A on transcript NM_201384.3 (MANE Select); coding-DNA position 4364, G replaced by A.
Protein change: p.Arg1455His; replaces arginine 1455 with histidine.
Molecular consequence: missense variant.
Genome position (GRCh38, 1-based): chr8:143,925,565, C>T on the plus strand (G>A on the coding strand, the complement: PLEC is on the minus strand). VCF-style: chr8-143925565-C-T. GRCh37 (hg19) VCF-style: chr8-144999733-C-T.
Other names: c.4445G>A, p.Arg1482His (NM_000445.5); c.4322G>A, p.Arg1441His (NM_201378.4); c.4298G>A, p.Arg1433His (NM_201379.3); c.4775G>A, p.Arg1592His (NM_201380.4); c.4268G>A, p.Arg1423His (NM_201381.3); c.4364G>A, p.Arg1455His (NM_201382.4); c.4376G>A, p.Arg1459His (NM_201383.3); short protein forms R1423H, R1433H, R1441H, R1455H, R1459H, R1482H, R1592H.
Identifiers: ClinVar variation 450363 (VCV000450363.51), dbSNP rs542878693, ClinGen allele CA4926686.

ClinVar aggregate classification (germline): Conflicting classifications of pathogenicity. Review status: criteria provided, conflicting classifications (1 of 4 stars). 4 submissions from 4 submitters: Uncertain significance (3); Likely benign (1). Last evaluated 2026-03-03.

Conditions:
PLEC-related disorder. Also called: PLEC-related disorders; PLEC-related condition.
Autosomal recessive limb-girdle muscular dystrophy type 2Q (LGMDR17). Also called: MUSCULAR DYSTROPHY, LIMB-GIRDLE, AUTOSOMAL RECESSIVE 17. Identifiers: Orphanet 254361, MedGen C3150989, MONDO:0013390, OMIM 613723.
Epidermolysis bullosa simplex with nail dystrophy (EBS5D). Identifiers: MedGen C4225309, MONDO:0014661, OMIM 616487.
Epidermolysis bullosa simplex 5C, with pyloric atresia (EBS5C). Also called: PLEC-Related Epidermolysis Bullosa with Pyloric Atresia; Epidermolysis bullosa simplex with pyloric atresia; PLEC1-Related Epidermolysis Bullosa with Pyloric Atresia. Identifiers: Orphanet 158684, MedGen C2677349, MONDO:0012807, OMIM 612138.
Epidermolysis bullosa simplex, Ogna type (EBS5A). Also called: Pidermolysis bullosa simplex 5A, Ogna type; EPIDERMOLYSIS BULLOSA SIMPLEX 5A, OGNA TYPE. Identifiers: Orphanet 79401, MedGen C0432317, MONDO:0007555, OMIM 131950.
Epidermolysis bullosa simplex 5B, with muscular dystrophy (EBS5B). Also called: EPIDERMOLYSIS BULLOSA SIMPLEX AND LIMB-GIRDLE MUSCULAR DYSTROPHY; Epidermolysis bullosa simplex with muscular dystrophy. Identifiers: Orphanet 257, MedGen C2931072, MONDO:0009181, OMIM 226670.

Allele frequency attached by ClinVar (database versions not stated): gnomAD 0.00001 and 0.00003; TOPMed 0.00002; ExAC 0.00007; 1000 Genomes Project 0.00020; 1000 Genomes Project 30x 0.00031.
gnomAD v4.1: 70 of 1,587,348 alleles (0.0044%); highest among the groups gnomAD compares: East Asian, 0.057%; 1 homozygote.

Submissions (4):

PreventionGenetics, part of Exact Sciences
Classification: Uncertain significance for PLEC-related condition. Last evaluated: 2026-03-03. Review status: criteria provided, single submitter. Criteria: ACMG Guidelines, 2015. Collection method: clinical testing. Allele origin: germline.
Comment: The PLEC c.4445G>A variant is predicted to result in the amino acid substitution p.Arg1482His. To our knowledge, this variant has not been reported in the literature. This variant is reported in 0.040% of alleles in individuals of East Asian descent in gnomAD. At this time, the clinical significance of this variant is uncertain due to the absence of conclusive functional and genetic evidence.

Labcorp Genetics (formerly Invitae), Labcorp
Classification: Uncertain significance for Autosomal recessive limb-girdle muscular dystrophy type 2Q; Epidermolysis bullosa simplex, Ogna type; Epidermolysis bullosa simplex with nail dystrophy; Epidermolysis bullosa simplex 5C, with pyloric atresia; Epidermolysis bullosa simplex 5B, with muscular dystrophy. Last evaluated: 2025-12-15. Review status: criteria provided, single submitter. Criteria: Invitae Variant Classification Sherloc (09022015). Collection method: clinical testing. Allele origin: germline.
Comment: This sequence change replaces arginine, which is basic and polar, with histidine, which is basic and polar, at codon 1482 of the PLEC protein (p.Arg1482His). This variant is present in population databases (rs542878693, gnomAD 0.04%). This variant has not been reported in the literature in individuals affected with PLEC-related conditions. ClinVar contains an entry for this variant (Variation ID: 450363). Experimental studies and prediction algorithms are not available or were not evaluated, and the functional significance of this variant is currently unknown. In summary, the available evidence is currently insufficient to determine the role of this variant in disease. Therefore, it has been classified as a Variant of Uncertain Significance.

Blueprint Genetics
Classification: Uncertain significance. Last evaluated: 2021-10-06. Review status: criteria provided, single submitter. Criteria: ACMG Guidelines, 2015. Collection method: clinical testing. Allele origin: germline.

GeneDx
Classification: Likely benign. Last evaluated: 2018-10-02. Review status: criteria provided, single submitter. Criteria: GeneDx Variant Classification Process June 2021. Collection method: clinical testing. Allele origin: germline. Affected: yes.